The following is an entry in ClinVar:

ClinVar aggregate classification (germline): Uncertain significance (1 of 4 stars; one submission).

Conditions:
Hereditary cancer-predisposing syndrome. Also called: Neoplastic Syndromes, Hereditary; Hereditary Cancer Syndrome; Hereditary neoplastic syndrome; Tumor predisposition. Identifiers: Orphanet 140162, MedGen C0027672, MeSH D009386, MONDO:0015356.

Submission:

Ambry Genetics
Classification: Uncertain significance for Hereditary cancer-predisposing syndrome. Last evaluated: 2023-05-07. Review status: criteria provided, single submitter. Criteria: Ambry Variant Classification Scheme 2023. Collection method: clinical testing. Allele origin: germline.
Comment: The p.A570T variant (also known as c.1708G>A), located in coding exon 14 of the POT1 gene, results from a G to A substitution at nucleotide position 1708. The alanine at codon 570 is replaced by threonine, an amino acid with similar properties. This amino acid position is conserved. In addition, the in silico prediction for this alteration is inconclusive. Since supporting evidence is limited at this time, the clinical significance of this alteration remains unclear.

NM_015450.3(POT1):c.1708G>A (p.Ala570Thr)

Gene: POT1 (protection of telomeres 1; minus strand). Cytogenetic location: 7q31.33.
Variant type: single nucleotide variant.
Coding change: c.1708G>A on transcript NM_015450.3 (MANE Select); coding-DNA position 1708, G replaced by A.
Protein change: p.Ala570Thr; replaces alanine 570 with threonine.
Molecular consequence: missense variant. On other transcripts: non-coding transcript variant (3).
Genome position (GRCh38, 1-based): chr7:124,825,336, C>T on the plus strand (G>A on the coding strand, the complement: POT1 is on the minus strand). VCF-style: chr7-124825336-C-T. GRCh37 (hg19) VCF-style: chr7-124465390-C-T.
Other names: c.1315G>A, p.Ala439Thr (NM_001042594.2); short protein forms A439T, A570T.
Identifiers: ClinVar variation 2565256 (VCV002565256.2), dbSNP rs2116408023, ClinGen allele CA369062497.